The following is an entry in ClinVar:

NM_000217.3(KCNA1):c.559G>C (p.Glu187Gln)

Gene: KCNA1 (potassium voltage-gated channel subfamily A member 1; plus strand). Cytogenetic location: 12p13.32.
Variant type: single nucleotide variant.
Coding change: c.559G>C on transcript NM_000217.3 (MANE Select); coding-DNA position 559, G replaced by C.
Protein change: p.Glu187Gln; replaces glutamic acid 187 with glutamine.
Molecular consequence: missense variant.
Genome position (GRCh38, 1-based): chr12:4,911,937, G>C. VCF-style: chr12-4911937-G-C. GRCh37 (hg19) VCF-style: chr12-5021103-G-C.
Other names: short protein forms E187Q.
Identifiers: ClinVar variation 2743275 (VCV002743275.3), dbSNP rs1565433190, ClinGen allele CA383454827.
Genomic context (GRCh38, chr12:4,911,937, plus strand): 5'-AGGGTCATCGCCATCGTCTCCGTCATGGTCATCCTCATCTCCATCGTCATCTTTTGCCTG[G>C]AGACGCTCCCCGAGCTGAAGGATGACAAGGACTTCACGGGCACCGTCCACCGCATCGACA-3'
Protein context (NP_000208.2, residues 177-197): ILISIVIFCL[Glu187Gln]TLPELKDDKD

ClinVar aggregate classification (germline): Uncertain significance (1 of 4 stars; one submission).

Conditions:
Episodic ataxia type 1 (EA1). Also called: Episodic ataxia/myokymia syndrome; ATAXIA, EPISODIC, WITH MYOKYMIA; MYOKYMIA WITH PERIODIC ATAXIA; PAROXYSMAL ATAXIA WITH NEUROMYOTONIA, HEREDITARY. Identifiers: Orphanet 37612, Orphanet 972, MedGen C1719788, MONDO:0008047, OMIM 160120.

Submission:

Labcorp Genetics (formerly Invitae), Labcorp
Classification: Uncertain significance for Episodic ataxia type 1. Last evaluated: 2023-07-14. Review status: criteria provided, single submitter. Criteria: Invitae Variant Classification Sherloc (09022015). Collection method: clinical testing. Allele origin: germline.
Comment: In summary, the available evidence is currently insufficient to determine the role of this variant in disease. Therefore, it has been classified as a Variant of Uncertain Significance. Advanced modeling of protein sequence and biophysical properties (such as structural, functional, and spatial information, amino acid conservation, physicochemical variation, residue mobility, and thermodynamic stability) performed at Invitae indicates that this missense variant is expected to disrupt KCNA1 protein function. This variant has not been reported in the literature in individuals affected with KCNA1-related conditions. This variant is not present in population databases (gnomAD no frequency). This sequence change replaces glutamic acid, which is acidic and polar, with glutamine, which is neutral and polar, at codon 187 of the KCNA1 protein (p.Glu187Gln).